The following is an entry in ClinVar:

NM_015559.3(SETBP1):c.3404C>G (p.Pro1135Arg)

Gene: SETBP1 (SET binding protein 1; plus strand). Cytogenetic location: 18q12.3.
Variant type: single nucleotide variant.
Coding change: c.3404C>G on transcript NM_015559.3 (MANE Select); coding-DNA position 3404, C replaced by G.
Protein change: p.Pro1135Arg; replaces proline 1135 with arginine.
Molecular consequence: missense variant.
Genome position (GRCh38, 1-based): chr18:44,952,744, C>G. VCF-style: chr18-44952744-C-G. GRCh37 (hg19) VCF-style: chr18-42532709-C-G.
Other names: c.3404C>G, p.Pro1135Arg (NM_001379141.1, NM_001379142.1, NM_001410862.1); short protein forms P1135R.
Identifiers: ClinVar variation 2769792 (VCV002769792.3), dbSNP rs2511475865, ClinGen allele CA402324354.

ClinVar aggregate classification (germline): Uncertain significance (1 of 4 stars; one submission).

Submission:

Labcorp Genetics (formerly Invitae), Labcorp
Classification: Uncertain significance. Last evaluated: 2023-06-05. Review status: criteria provided, single submitter. Criteria: Invitae Variant Classification Sherloc (09022015). Collection method: clinical testing. Allele origin: germline.
Comment: This sequence change replaces proline, which is neutral and non-polar, with arginine, which is basic and polar, at codon 1135 of the SETBP1 protein (p.Pro1135Arg). This variant is not present in population databases (gnomAD no frequency). This variant has not been reported in the literature in individuals affected with SETBP1-related conditions. Advanced modeling of protein sequence and biophysical properties (such as structural, functional, and spatial information, amino acid conservation, physicochemical variation, residue mobility, and thermodynamic stability) performed at Invitae indicates that this missense variant is not expected to disrupt SETBP1 protein function. In summary, the available evidence is currently insufficient to determine the role of this variant in disease. Therefore, it has been classified as a Variant of Uncertain Significance.